The following is an entry in ClinVar:

ClinVar aggregate classification (germline): Uncertain significance (1 of 4 stars; one submission).

Conditions:
Angelman syndrome (AS). Also called: HAPPY PUPPET SYNDROME. Identifiers: Orphanet 72, MedGen C0162635, MONDO:0007113, OMIM 105830. Disease mechanism: loss of function. Inheritance: AS is caused by disruption of maternally imprinted UBE3A located within the 15q11.2-q13 Angelman syndrome/Prader-Willi syndrome (AS/PWS) region., imprinting disorder.

Submission:

Labcorp Genetics (formerly Invitae), Labcorp
Classification: Uncertain significance for Angelman syndrome. Last evaluated: 2024-08-15. Review status: criteria provided, single submitter. Criteria: Invitae Variant Classification Sherloc (09022015). Collection method: clinical testing. Allele origin: germline.
Comment: This sequence change replaces aspartic acid, which is acidic and polar, with glycine, which is neutral and non-polar, at codon 641 of the UBE3A protein (p.Asp641Gly). This variant is not present in population databases (gnomAD no frequency). This variant has not been reported in the literature in individuals affected with UBE3A-related conditions. Invitae Evidence Modeling of protein sequence and biophysical properties (such as structural, functional, and spatial information, amino acid conservation, physicochemical variation, residue mobility, and thermodynamic stability) has been performed for this missense variant. However, the output from this modeling did not meet the statistical confidence thresholds required to predict the impact of this variant on UBE3A protein function. In summary, the available evidence is currently insufficient to determine the role of this variant in disease. Therefore, it has been classified as a Variant of Uncertain Significance.

NM_130839.5(UBE3A):c.1982A>G (p.Asp661Gly)

Genes: SNHG14 (small nucleolar RNA host gene 14; plus strand), UBE3A (ubiquitin protein ligase E3A; minus strand). Cytogenetic location: 15q11.2.
Variant type: single nucleotide variant.
Coding change: c.1982A>G on transcript NM_130839.5 (MANE Select); coding-DNA position 1982, A replaced by G.
Protein change: p.Asp661Gly; replaces aspartic acid 661 with glycine.
Molecular consequence: missense variant. On other transcripts: non-coding transcript variant (1), intron variant (1).
Genome position (GRCh38, 1-based): chr15:25,356,034, T>C on the plus strand (A>G on the coding strand, the complement: UBE3A is on the minus strand). VCF-style: chr15-25356034-T-C. GRCh37 (hg19) VCF-style: chr15-25601181-T-C.
Other names: c.1982A>G, p.Asp661Gly (NM_001354545.2, NM_001354505.1, NM_001354538.2); c.1805A>G, p.Asp602Gly (NM_001354546.2); c.1922A>G, p.Asp641Gly (NM_001354547.2, NM_001354548.2, NM_001374461.1 and 16 more transcripts); c.731A>G, p.Asp244Gly (NM_001354550.2); c.671A>G, p.Asp224Gly (NM_001354551.2); c.1991A>G, p.Asp664Gly (NM_000462.5); c.1899+657A>G (NM_001354549.2); short protein forms D224G, D602G, D641G, D664G, D244G, D661G.
Identifiers: ClinVar variation 3662521 (VCV003662521.2).
Genomic context (GRCh38, chr15:25,356,034, plus strand): 5'-TGTGATATCTGGAAAGTGATCATCATGTCATCTTCCACATTCCCTTCATACTCCAATAAA[T>C]CTTTTAAACTCTGATATAGAACCTAGCAACCAGAAATGGTAAATTGAGGCCACCATAGAA-3'
Protein context (NP_570854.1, residues 651-671): SHPVLYQSLK[Asp661Gly]LLEYEGNVED